The following is an entry in ClinVar:

NM_001038.6(SCNN1A):c.701C>T (p.Ser234Leu)

Gene: SCNN1A (sodium channel epithelial 1 subunit alpha; minus strand). Cytogenetic location: 12p13.31.
Variant type: single nucleotide variant.
Coding change: c.701C>T on transcript NM_001038.6 (MANE Select); coding-DNA position 701, C replaced by T.
Protein change: p.Ser234Leu; replaces serine 234 with leucine.
Molecular consequence: missense variant.
Genome position (GRCh38, 1-based): chr12:6,362,225, G>A on the plus strand (C>T on the coding strand, the complement: SCNN1A is on the minus strand). VCF-style: chr12-6362225-G-A. GRCh37 (hg19) VCF-style: chr12-6471391-G-A.
Other names: c.770C>T, p.Ser257Leu (NM_001159575.2); c.878C>T, p.Ser293Leu (NM_001159576.2); short protein forms S234L, S257L, S293L.
Identifiers: ClinVar variation 1710809 (VCV001710809.2), dbSNP rs761907917, ClinGen allele CA6406126.
Genomic context (GRCh38, chr12:6,362,225, plus strand): 5'-AAGCGGTACCACTCCCTCACCGCATCCACCCCTGATGAGTATGTCTGGTAGAAGCAGTCC[G>A]ATTTGTTCTGGTTGCACTGGACACAGAGACTAGAGTCAGAGGGGACACGCAGCCGGGGAT-3'
Protein context (NP_001029.1, residues 224-244): IGFQLCNQNK[Ser234Leu]DCFYQTYSSG

ClinVar aggregate classification (germline): Uncertain significance (1 of 4 stars; one submission).

Allele frequency attached by ClinVar (database versions not stated): gnomAD 0.00001; ExAC 0.00002.
gnomAD v4.1: 12 of 1,614,004 alleles (0.00074%); highest among the groups gnomAD compares: East Asian, 0.011%; no homozygotes.

Submission:

GeneDx
Classification: Uncertain significance. Last evaluated: 2022-04-13. Review status: criteria provided, single submitter. Criteria: GeneDx Variant Classification Process June 2021. Collection method: clinical testing. Allele origin: germline. Affected: yes.
Comment: Not observed at significant frequency in large population cohorts (gnomAD); In silico analysis supports that this missense variant has a deleterious effect on protein structure/function; Has not been previously published as pathogenic or benign to our knowledge